The following is an entry in ClinVar:

NM_001101.5(ACTB):c.739G>A (p.Val247Ile)

Gene: ACTB (actin beta; minus strand). Cytogenetic location: 7p22.1.
Variant type: single nucleotide variant.
Coding change: c.739G>A on transcript NM_001101.5 (MANE Select); coding-DNA position 739, G replaced by A.
Protein change: p.Val247Ile; replaces valine 247 with isoleucine.
Molecular consequence: missense variant.
Genome position (GRCh38, 1-based): chr7:5,528,344, C>T on the plus strand (G>A on the coding strand, the complement: ACTB is on the minus strand). VCF-style: chr7-5528344-C-T. GRCh37 (hg19) VCF-style: chr7-5567975-C-T.
Other names: short protein forms V247I.
Identifiers: ClinVar variation 1501657 (VCV001501657.6), dbSNP rs1784809671, ClinGen allele CA366701974.

ClinVar aggregate classification (germline): Uncertain significance (1 of 4 stars; one submission).

Conditions:
Baraitser-Winter syndrome 1 (BRWS1). Also called: MENTAL RETARDATION WITH EPILEPSY AND CHARACTERISTIC FACIES; PACHYGYRIA, MENTAL RETARDATION, EPILEPSY, AND CHARACTERISTIC FACIES; Cerebrofrontofacial syndrome; BARAITSER-WINTER SYNDROME 1, ATYPICAL. Identifiers: Orphanet 2649, Orphanet 2995, MedGen C1855722, MONDO:0009470, OMIM 243310.

Allele frequency attached by ClinVar (database versions not stated): TOPMed below 0.00001.

Submission:

Labcorp Genetics (formerly Invitae), Labcorp
Classification: Uncertain significance for Baraitser-Winter syndrome 1. Last evaluated: 2023-08-04. Review status: criteria provided, single submitter. Criteria: Invitae Variant Classification Sherloc (09022015). Collection method: clinical testing. Allele origin: germline.
Comment: In summary, the available evidence is currently insufficient to determine the role of this variant in disease. Therefore, it has been classified as a Variant of Uncertain Significance. Advanced modeling of protein sequence and biophysical properties (such as structural, functional, and spatial information, amino acid conservation, physicochemical variation, residue mobility, and thermodynamic stability) performed at Invitae indicates that this missense variant is not expected to disrupt ACTB protein function. ClinVar contains an entry for this variant (Variation ID: 1501657). This variant has not been reported in the literature in individuals affected with ACTB-related conditions. This variant is not present in population databases (gnomAD no frequency). This sequence change replaces valine, which is neutral and non-polar, with isoleucine, which is neutral and non-polar, at codon 247 of the ACTB protein (p.Val247Ile).